The following is an entry in ClinVar:

NM_032119.4(ADGRV1):c.14885G>A (p.Trp4962Ter)

Gene: ADGRV1 (adhesion G protein-coupled receptor V1; plus strand). Cytogenetic location: 5q14.3.
Variant type: single nucleotide variant.
Coding change: c.14885G>A on transcript NM_032119.4 (MANE Select); coding-DNA position 14885, G replaced by A.
Protein change: p.Trp4962Ter; replaces tryptophan 4962 with a stop codon.
Molecular consequence: nonsense. On other transcripts: non-coding transcript variant (1).
Genome position (GRCh38, 1-based): chr5:90,807,650, G>A. VCF-style: chr5-90807650-G-A. GRCh37 (hg19) VCF-style: chr5-90103467-G-A.
Other names: short protein forms W4962*.
Identifiers: ClinVar variation 228351 (VCV000228351.4), dbSNP rs876657694, ClinGen allele CA10576673.

ClinVar aggregate classification (germline): Pathogenic (1 of 4 stars; one submission).

Conditions:
Rare genetic deafness. Identifiers: Orphanet 96210, MedGen C5680250.

gnomAD v4.1: 1 of 1,613,210 alleles (0.000062%); no homozygotes.

Submission:

Laboratory for Molecular Medicine, Mass General Brigham Personalized Medicine
Classification: Pathogenic for Rare genetic deafness. Last evaluated: 2015-07-20. Review status: criteria provided, single submitter. Criteria: LMM Criteria. Collection method: clinical testing. Allele origin: germline. Inheritance: Autosomal recessive inheritance. Observed: 1 variant allele.
Comment: The p.Trp4962X variant in GPR98 has not been previously reported in individuals with hearing loss or Usher syndrome and was absent from large population studies .This nonsense variant leads to a premature termination codon at position 4962, which is predicted to lead to a truncated or absent protein. Loss of function of the GPR98 gene is an established disease mechanism in autosomal recessive Usher syndrome. In summary, this variant meets our criteria to be classified as patho genic for Usher syndrome in an autosomal recessive manner based on the predicted impact of the variant.